The following is an entry in ClinVar:

NM_000085.5(CLCNKB):c.1633G>T (p.Val545Leu)

Genes: CLCNKB (chloride voltage-gated channel Kb; plus strand), LOC106501713 (CLCNKB recombination region; plus strand). Cytogenetic location: 1p36.13.
Variant type: single nucleotide variant.
Coding change: c.1633G>T on transcript NM_000085.5 (MANE Select); coding-DNA position 1633, G replaced by T.
Protein change: p.Val545Leu; replaces valine 545 with leucine.
Molecular consequence: missense variant.
Genome position (GRCh38, 1-based): chr1:16,053,649, G>T. VCF-style: chr1-16053649-G-T. GRCh37 (hg19) VCF-style: chr1-16380144-G-T.
Other names: c.1126G>T, p.Val376Leu (NM_001165945.2); short protein forms V376L, V545L.
Identifiers: ClinVar variation 1479559 (VCV001479559.6), dbSNP rs773177291, ClinGen allele CA338643458.

ClinVar aggregate classification (germline): Uncertain significance (1 of 4 stars; one submission).

Submission:

Labcorp Genetics (formerly Invitae), Labcorp
Classification: Uncertain significance. Last evaluated: 2021-11-19. Review status: criteria provided, single submitter. Criteria: Invitae Variant Classification Sherloc (09022015). Collection method: clinical testing. Allele origin: germline.
Comment: This sequence change replaces valine, which is neutral and non-polar, with leucine, which is neutral and non-polar, at codon 545 of the CLCNKB protein (p.Val545Leu). This variant is not present in population databases (gnomAD no frequency). This variant has not been reported in the literature in individuals affected with CLCNKB-related conditions. Advanced modeling of protein sequence and biophysical properties (such as structural, functional, and spatial information, amino acid conservation, physicochemical variation, residue mobility, and thermodynamic stability) performed at Invitae indicates that this missense variant is not expected to disrupt CLCNKB protein function. In summary, the available evidence is currently insufficient to determine the role of this variant in disease. Therefore, it has been classified as a Variant of Uncertain Significance.